The following is an entry in ClinVar:

NM_006790.3(MYOT):c.343G>A (p.Ala115Thr)

Genes: MYOT (myotilin; plus strand), PKD2L2-DT (PKD2L2 divergent transcript; minus strand). Cytogenetic location: 5q31.2.
Variant type: single nucleotide variant.
Coding change: c.343G>A on transcript NM_006790.3 (MANE Select); coding-DNA position 343, G replaced by A.
Protein change: p.Ala115Thr; replaces alanine 115 with threonine.
Molecular consequence: missense variant. On other transcripts: 5 prime UTR variant (1), intron variant (1).
Genome position (GRCh38, 1-based): chr5:137,870,994, G>A. VCF-style: chr5-137870994-G-A. GRCh37 (hg19) VCF-style: chr5-137206683-G-A.
Other names: c.-3G>A (NM_001300911.2); c.-197+469G>A (NM_001135940.2).
Identifiers: ClinVar variation 95439 (VCV000095439.65), dbSNP rs114194130, ClinGen allele CA148537.
Genomic context (GRCh38, chr5:137,870,994, plus strand): 5'-AGCTTCCTCAGCTCCATATTACCATCACAGCCTGATTACAATAGCAGTAAAATCCCTTCC[G>A]CTATGGATTCCAAGTAAGTGAATTTTTATATACCGCATGTACAGTGAACTTATATCTGAG-3'
Protein context (NP_006781.1, residues 105-125): PDYNSSKIPS[Ala115Thr]MDSNYQQSSA

ClinVar aggregate classification (germline): Benign/Likely benign. Review status: criteria provided, multiple submitters, no conflicts (2 of 4 stars). 9 submissions from 9 submitters: Benign (2); Likely benign (6). 1 of the submissions does not count toward it. Last evaluated 2025-12-21.

Conditions:
MYOT-related disorder. Also called: MYOT-related condition.
Myofibrillar myopathy 3 (MFM3). Also called: Muscular dystrophy, proximal, type 1A; Autosomal dominant spheroid body myopathy. Identifiers: Orphanet 266, Orphanet 268129, MedGen C3714934, MONDO:0012215, OMIM 609200.

Allele frequency attached by ClinVar (database versions not stated): 1000 Genomes Project 0.00060; 1000 Genomes Project 30x 0.00062; TOPMed 0.00088; ESP Exome Variant Server 0.00092.
gnomAD v4.1: 1,390 of 1,613,366 alleles (0.086%); highest among the groups gnomAD compares: Admixed American, 0.14%; 1 homozygote.

Submissions (9):

Labcorp Genetics (formerly Invitae), Labcorp
Classification: Likely benign for Myofibrillar myopathy 3. Last evaluated: 2025-12-21. Review status: criteria provided, single submitter. Criteria: Invitae Variant Classification Sherloc (09022015). Collection method: clinical testing. Allele origin: germline.

Blueprint Genetics
Classification: Likely benign. Last evaluated: 2024-11-19. Review status: criteria provided, single submitter. Criteria: ACMG Guidelines, 2015. Collection method: clinical testing. Allele origin: germline.

Athena Diagnostics
Classification: Benign. Last evaluated: 2024-10-25. Review status: criteria provided, single submitter. Criteria: Athena Diagnostics Criteria. Collection method: clinical testing. Allele origin: unknown.

GeneDx
Classification: Likely benign. Last evaluated: 2019-11-05. Review status: criteria provided, single submitter. Criteria: GeneDx Variant Classification Process June 2021. Collection method: clinical testing. Allele origin: germline. Affected: yes.
Comment: This variant is associated with the following publications: (PMID: 15947064)

ARUP Laboratories, Molecular Genetics and Genomics, ARUP Laboratories
Classification: Likely benign. Last evaluated: 2018-05-27. Review status: criteria provided, single submitter. Criteria: ARUP Molecular Germline Variant Investigation Process. Collection method: clinical testing. Allele origin: germline.
Comment: The p.Ala115Thr variant (rs114194130) has not been reported in the medical literature, gene specific variation databases, nor has it been previously identified by our laboratory. This variant is listed in the Genome Aggregation Database (gnomAD) with a frequency of 0.2 percent in the Latino population (identified on 62 out of 34,292 chromosomes) and has been reported to the ClinVar database (Variation ID: 95439). The alanine at position 115 is weakly conserved considering 12 species (Alamut v2.11) and computational analyses of the p.Ala115Thr variant on protein structure and function indicates a neutral effect (SIFT: tolerated, PolyPhen-2: benign). Based on these observations, the p.Ala115Thr variant is likely to be benign.

Illumina Laboratory Services, Illumina
Classification: Likely benign for Myofibrillar myopathy 3. Last evaluated: 2018-01-13. Review status: criteria provided, single submitter. Criteria: ICSL Variant Classification Criteria 13 December 2019. Collection method: clinical testing. Allele origin: germline.
Comment: This variant was observed in the ICSL laboratory as part of a predisposition screen in an ostensibly healthy population. It had not been previously curated by ICSL or reported in the Human Gene Mutation Database (HGMD: prior to June 1st, 2018), and was therefore a candidate for classification through an automated scoring system. Utilizing variant allele frequency, disease prevalence and penetrance estimates, and inheritance mode, an automated score was calculated to assess if this variant is too frequent to cause the disease. Based on the score and internal cut-off values, a variant classified as likely benign is not then subjected to further curation. The score for this variant resulted in a classification of likely benign for this disease.

Eurofins Ntd Llc (ga)
Classification: Benign. Last evaluated: 2013-02-22. Review status: criteria provided, single submitter. Criteria: EGL Classification Definitions 2015. Collection method: clinical testing. Allele origin: germline. Observed: 2 variant alleles, 2 heterozygotes.

Breakthrough Genomics
Classification: Likely benign. Review status: criteria provided, single submitter. Criteria: ACMG Guidelines, 2015. Collection method: not provided. Allele origin: germline. Inheritance: Autosomal dominant inheritance. Affected: yes.

PreventionGenetics, part of Exact Sciences
Classification: Likely benign for MYOT-related condition. Last evaluated: 2022-02-01. Review status: no assertion criteria provided. Collection method: clinical testing. Allele origin: germline. Not counted in ClinVar's aggregate classification.
Comment: This variant is classified as likely benign based on ACMG/AMP sequence variant interpretation guidelines (Richards et al. 2015 PMID: 25741868, with internal and published modifications).

Literature cited by the submitters: PubMed 15947064 (cited by Athena Diagnostics).